The following is an entry in ClinVar:

NM_032242.4(PLXNA1):c.3630G>A (p.Ala1210=)

Gene: PLXNA1 (plexin A1; plus strand). Cytogenetic location: 3q21.3.
Variant type: single nucleotide variant.
Coding change: c.3630G>A on transcript NM_032242.4 (MANE Select); coding-DNA position 3630, G replaced by A.
Protein change: p.Ala1210=; no amino-acid change (alanine 1210 retained).
Molecular consequence: synonymous variant.
Genome position (GRCh38, 1-based): chr3:127,017,862, G>A. VCF-style: chr3-127017862-G-A. GRCh37 (hg19) VCF-style: chr3-126736705-G-A.
Identifiers: ClinVar variation 3356571 (VCV003356571.1).
Genomic context (GRCh38, chr3:127,017,862, plus strand): 5'-GCTCATCGGCTCCACACCCTGTACCCTCACCGTGTCGGAGACGCAACTGCTGTGCGAGGC[G>A]CCCAACCTCACTGGGCAGCACAAGGTCACGGTGCGTCTGTCCACCGGGGGTGCAGAGCTG-3'
Protein context (NP_115618.3, residues 1200-1220): TVSETQLLCE[Ala1210=]PNLTGQHKVT

ClinVar aggregate classification (germline): Likely benign (0 of 4 stars; one submission).

Conditions:
PLXNA1-related disorder. Also called: PLXNA1-related condition.

gnomAD v4.1: 5 of 1,612,606 alleles (0.00031%); highest among the groups gnomAD compares: South Asian, 0.0033%; no homozygotes.

Submission:

PreventionGenetics, part of Exact Sciences
Classification: Likely benign for PLXNA1-related condition. Last evaluated: 2023-05-11. Review status: no assertion criteria provided. Collection method: clinical testing. Allele origin: germline.
Comment: This variant is classified as likely benign based on ACMG/AMP sequence variant interpretation guidelines (Richards et al. 2015 PMID: 25741868, with internal and published modifications).